The following is an entry in ClinVar:

NM_004371.4(COPA):c.3581_3582del (p.Pro1194fs)

Gene: COPA (coat protein complex I subunit alpha; minus strand). Cytogenetic location: 1q23.2.
Variant type: Deletion.
Coding change: c.3581_3582del on transcript NM_004371.4 (MANE Select); coding-DNA positions 3581 to 3582, 2 bases deleted (CT; older notation c.3581_3582delCT).
Protein change: p.Pro1194fs; shifts the reading frame from proline 1194.
Molecular consequence: frameshift variant.
Genome position (GRCh38, 1-based): chr1:160,290,525-160,290,526, AG deleted on the plus strand (CT on the coding strand, the reverse complement: COPA is on the minus strand). VCF-style (leftmost placement, unchanged base first): chr1-160290524-CAG-C. GRCh37 (hg19) VCF-style: chr1-160260314-CAG-C.
Other names: c.3608_3609del, p.Pro1203fs (NM_001098398.2); short protein forms P1203fs, P1194fs.
Identifiers: ClinVar variation 4733146 (VCV004733146.1).

ClinVar aggregate classification (germline): Uncertain significance (1 of 4 stars; one submission).

Conditions:
Autoimmune interstitial lung disease-arthritis syndrome. Also called: Autoinflammation and autoimmunity, systemic, with immune dysregulation. Identifiers: Orphanet 444092, MedGen C5975714, MONDO:0014629.

Submission:

Labcorp Genetics (formerly Invitae), Labcorp
Classification: Uncertain significance for Autoimmune interstitial lung disease-arthritis syndrome. Last evaluated: 2025-12-24. Review status: criteria provided, single submitter. Criteria: Invitae Variant Classification Sherloc (09022015). Collection method: clinical testing. Allele origin: germline.
Comment: This sequence change is expected to alter the c-terminus of the COPA protein (p.Pro1194Argfs*55). While this is not anticipated to result in nonsense mediated decay, it is expected to disrupt the last 31 amino acid(s) of the COPA protein and extend the protein by 23 additional amino acid residues. This variant is not present in population databases (gnomAD no frequency). This variant has not been reported in the literature in individuals affected with COPA-related conditions. In summary, the available evidence is currently insufficient to determine the role of this variant in disease. Therefore, it has been classified as a Variant of Uncertain Significance.